The following is an entry in ClinVar:

ClinVar aggregate classification (germline): Conflicting classifications of pathogenicity. Review status: criteria provided, conflicting classifications (1 of 4 stars). 2 submissions from 2 submitters: Uncertain significance (1); Likely benign (1). Last evaluated 2023-07-21.

Allele frequency attached by ClinVar (database versions not stated): ExAC 0.00002; TOPMed 0.00002; gnomAD 0.00003 and 0.00004; gnomAD exomes 0.00003 and 0.00007.
gnomAD v4.1: 104 of 1,613,990 alleles (0.0064%); highest among the groups gnomAD compares: Non-Finnish European, 0.0087%; no homozygotes.

Submissions (2):

Blueprint Genetics
Classification: Likely benign. Last evaluated: 2023-07-21. Review status: criteria provided, single submitter. Criteria: ACMG Guidelines, 2015. Collection method: clinical testing. Allele origin: germline.

Labcorp Genetics (formerly Invitae), Labcorp
Classification: Uncertain significance. Last evaluated: 2021-08-31. Review status: criteria provided, single submitter. Criteria: Invitae Variant Classification Sherloc (09022015). Collection method: clinical testing. Allele origin: germline.
Comment: This sequence change replaces glutamine with glutamic acid at codon 811 of the TOPORS protein (p.Gln811Glu). The glutamine residue is moderately conserved and there is a small physicochemical difference between glutamine and glutamic acid. This variant is present in population databases (rs762975517, ExAC 0.004%). This variant has not been reported in the literature in individuals affected with TOPORS-related conditions. Algorithms developed to predict the effect of missense changes on protein structure and function output the following: SIFT: "Deleterious"; PolyPhen-2: "Not Available"; Align-GVGD: "Class C0". The glutamic acid amino acid residue is found in multiple mammalian species, which suggests that this missense change does not adversely affect protein function. In summary, the available evidence is currently insufficient to determine the role of this variant in disease. Therefore, it has been classified as a Variant of Uncertain Significance.

NM_005802.5(TOPORS):c.2431C>G (p.Gln811Glu)

Gene: TOPORS (TOP1 binding arginine/serine rich protein, E3 ubiquitin ligase; minus strand). Cytogenetic location: 9p21.1.
Variant type: single nucleotide variant.
Coding change: c.2431C>G on transcript NM_005802.5 (MANE Select); coding-DNA position 2431, C replaced by G.
Protein change: p.Gln811Glu; replaces glutamine 811 with glutamic acid.
Molecular consequence: missense variant.
Genome position (GRCh38, 1-based): chr9:32,542,094, G>C on the plus strand (C>G on the coding strand, the complement: TOPORS is on the minus strand). VCF-style: chr9-32542094-G-C. GRCh37 (hg19) VCF-style: chr9-32542092-G-C.
Other names: c.2236C>G, p.Gln746Glu (NM_001195622.2); short protein forms Q746E, Q811E.
Identifiers: ClinVar variation 1510617 (VCV001510617.9), dbSNP rs762975517, ClinGen allele CA5020373.
Genomic context (GRCh38, chr9:32,542,094, plus strand): 5'-TTGATGAAGATTTTTGGTAATGACTGTCCTTTGCTTTAGAAGCAAATTCACGAGATGGCT[G>C]AGCCACTTCGTTAGTACCCTCCAAATGCCGTGTTTTGTATTTTCGTTTCCCTCCAGGCTT-3'
Protein context (NP_005793.2, residues 801-821): RHLEGTNEVA[Gln811Glu]PSREFASKAK